The following is an entry in ClinVar:

ClinVar aggregate classification (germline): Uncertain significance (1 of 4 stars; one submission).

Allele frequency attached by ClinVar (database versions not stated): gnomAD exomes below 0.00001; ExAC 0.00001; ESP Exome Variant Server 0.00008.
gnomAD v4.1: 1 of 1,613,104 alleles (0.000062%); highest among the groups gnomAD compares: Non-Finnish European, 0.000085%; no homozygotes.

Submission:

Labcorp Genetics (formerly Invitae), Labcorp
Classification: Uncertain significance. Last evaluated: 2021-07-17. Review status: criteria provided, single submitter. Criteria: Invitae Variant Classification Sherloc (09022015). Collection method: clinical testing. Allele origin: germline.
Comment: In summary, the available evidence is currently insufficient to determine the role of this variant in disease. Therefore, it has been classified as a Variant of Uncertain Significance. Algorithms developed to predict the effect of missense changes on protein structure and function are either unavailable or do not agree on the potential impact of this missense change (SIFT: "Tolerated"; PolyPhen-2: "Probably Damaging"; Align-GVGD: "Class C0"). This variant has not been reported in the literature in individuals affected with FCHO1-related conditions. This variant is present in population databases (rs370551694, ExAC 0.002%). This sequence change replaces phenylalanine with tyrosine at codon 449 of the FCHO1 protein (p.Phe449Tyr). The phenylalanine residue is highly conserved and there is a small physicochemical difference between phenylalanine and tyrosine.

NM_015122.3(FCHO1):c.1346T>A (p.Phe449Tyr)

Gene: FCHO1 (FCH and mu domain containing endocytic adaptor 1; plus strand). Cytogenetic location: 19p13.11.
Variant type: single nucleotide variant.
Coding change: c.1346T>A on transcript NM_015122.3 (MANE Select); coding-DNA position 1346, T replaced by A.
Protein change: p.Phe449Tyr; replaces phenylalanine 449 with tyrosine.
Molecular consequence: missense variant. On other transcripts: non-coding transcript variant (24), intron variant (1).
Genome position (GRCh38, 1-based): chr19:17,778,223, T>A. VCF-style: chr19-17778223-T-A. GRCh37 (hg19) VCF-style: chr19-17889032-T-A.
Other names: c.1346T>A, p.Phe449Tyr (NM_001161357.2, NM_001161358.2, NM_001384370.1 and 25 more transcripts); c.1196T>A, p.Phe399Tyr (NM_001161359.2, NM_001384384.1, NM_001384385.1 and 2 more transcripts); c.1307T>A, p.Phe436Tyr (NM_001384388.1, NM_001384389.1, NM_001384405.1); c.1271T>A, p.Phe424Tyr (NM_001384390.1); c.1301T>A, p.Phe434Tyr (NM_001384403.1); c.1057+1952T>A (NM_001384407.1); short protein forms F424Y, F449Y, F436Y, F399Y, F434Y.
Identifiers: ClinVar variation 1350339 (VCV001350339.7), dbSNP rs370551694, ClinGen allele CA9300490.